The following is an entry in ClinVar:

ClinVar aggregate classification (germline): Likely benign (1 of 4 stars; one submission).

Allele frequency attached by ClinVar (database versions not stated): gnomAD 0.00029; ESP Exome Variant Server 0.00031; ExAC 0.00038; 1000 Genomes Project 0.00040; 1000 Genomes Project 30x 0.00047; TOPMed 0.00063.

Submission:

CeGaT Center for Human Genetics Tuebingen
Classification: Likely benign. Last evaluated: 2023-01-01. Review status: criteria provided, single submitter. Criteria: CeGaT Center For Human Genetics Tuebingen Variant Classification Criteria Version 2. Collection method: clinical testing. Allele origin: germline. Affected: yes. Observed: 1 variant allele.
Comment: HOXC11: BP4, BP7

NM_014212.4(HOXC11):c.765G>C (p.Val255=)

Gene: HOXC11 (homeobox C11; plus strand). Cytogenetic location: 12q13.13.
Variant type: single nucleotide variant.
Coding change: c.765G>C on transcript NM_014212.4 (MANE Select); coding-DNA position 765, G replaced by C.
Protein change: p.Val255=; no amino-acid change (valine 255 retained).
Molecular consequence: synonymous variant.
Genome position (GRCh38, 1-based): chr12:53,975,263, G>C. VCF-style: chr12-53975263-G-C. GRCh37 (hg19) VCF-style: chr12-54369047-G-C.
Identifiers: ClinVar variation 2643051 (VCV002643051.24), dbSNP rs142129926, ClinGen allele CA6604316.
Genomic context (GRCh38, chr12:53,975,263, plus strand): 5'-GCGCTGCCCTTATTCGAAATTCCAGATCCGGGAACTGGAGCGAGAGTTTTTCTTCAACGT[G>C]TATATCAACAAAGAGAAGCGGCTGCAGCTGTCCCGGATGCTGAACCTGACGGACCGACAA-3'
Protein context (NP_055027.1, residues 245-265): RELEREFFFN[Val255=]YINKEKRLQL